The following is an entry in ClinVar:

NM_000179.3(MSH6):c.2140T>G (p.Ser714Ala)

Gene: MSH6 (mutS homolog 6; plus strand). Cytogenetic location: 2p16.3.
Variant type: single nucleotide variant.
Coding change: c.2140T>G on transcript NM_000179.3 (MANE Select); coding-DNA position 2140, T replaced by G.
Protein change: p.Ser714Ala; replaces serine 714 with alanine.
Molecular consequence: missense variant. On other transcripts: non-coding transcript variant (5), intron variant (2).
Genome position (GRCh38, 1-based): chr2:47,800,123, T>G. VCF-style: chr2-47800123-T-G. GRCh37 (hg19) VCF-style: chr2-48027262-T-G.
Other names: c.1750T>G, p.Ser584Ala (NM_001281492.2); c.1234T>G, p.Ser412Ala (NM_001281493.2, NM_001281494.2, NM_001406811.1 and 6 more transcripts); c.2236T>G, p.Ser746Ala (NM_001406795.1, NM_001406802.1); c.2140T>G, p.Ser714Ala (NM_001406796.1, NM_001406798.1, NM_001406800.1 and 3 more transcripts); c.1843T>G, p.Ser615Ala (NM_001406797.1, NM_001406801.1, NM_001406805.1 and 10 more transcripts); c.1615T>G, p.Ser539Ala (NM_001406799.1, NM_001406806.1, NM_001406807.1); c.2062T>G, p.Ser688Ala (NM_001406804.1); c.2146T>G, p.Ser716Ala (NM_001406813.1); and 3 more; short protein forms S412A, S539A, S584A, S615A, S658A, S688A, S714A, S716A.
Identifiers: ClinVar variation 4800211 (VCV004800211.1).

ClinVar aggregate classification (germline): Uncertain significance (1 of 4 stars; one submission).

Conditions:
Hereditary nonpolyposis colorectal neoplasms. Identifiers: MedGen C0009405, MeSH D003123.

Submission:

Labcorp Genetics (formerly Invitae), Labcorp
Classification: Uncertain significance for Hereditary nonpolyposis colorectal neoplasms. Last evaluated: 2025-03-04. Review status: criteria provided, single submitter. Criteria: Invitae Variant Classification Sherloc (09022015). Collection method: clinical testing. Allele origin: germline.
Comment: This sequence change replaces serine, which is neutral and polar, with alanine, which is neutral and non-polar, at codon 714 of the MSH6 protein (p.Ser714Ala). This variant is not present in population databases (gnomAD no frequency). This variant has not been reported in the literature in individuals affected with MSH6-related conditions. Invitae Evidence Modeling of protein sequence and biophysical properties (such as structural, functional, and spatial information, amino acid conservation, physicochemical variation, residue mobility, and thermodynamic stability) indicates that this missense variant is not expected to disrupt MSH6 protein function with a negative predictive value of 95%. In summary, the available evidence is currently insufficient to determine the role of this variant in disease. Therefore, it has been classified as a Variant of Uncertain Significance.